The following is an entry in ClinVar:

NM_001111067.4(ACVR1):c.412T>C (p.Leu138=)

Gene: ACVR1 (activin A receptor type 1; minus strand). Cytogenetic location: 2q24.1.
Variant type: single nucleotide variant.
Coding change: c.412T>C on transcript NM_001111067.4 (MANE Select); coding-DNA position 412, T replaced by C.
Protein change: p.Leu138=; no amino-acid change (leucine 138 retained).
Molecular consequence: synonymous variant.
Genome position (GRCh38, 1-based): chr2:157,778,262, A>G on the plus strand (T>C on the coding strand, the complement: ACVR1 is on the minus strand). VCF-style: chr2-157778262-A-G. GRCh37 (hg19) VCF-style: chr2-158634774-A-G.
Other names: c.412T>C (NM_001105.4); c.412T>C, p.Leu138= (NM_001105.5, NM_001347663.1, NM_001347664.1 and 3 more transcripts).
Identifiers: ClinVar variation 1964280 (VCV001964280.7), dbSNP rs529295345, ClinGen allele CA1919161.
Genomic context (GRCh38, chr2:157,778,262, plus strand): 5'-TGAGGCGTTCTTGGTTGCGCCTTTTAAATTTTCGGAGAGCAACTCCCAGCAGGCAGGCTA[A>G]AAGACATACTGCGAACACTACAGAGAGAATAATGAGGCCAACCTCCAAGTGGAAATTCTG-3'
Protein context (NP_001104537.1, residues 128-148): ILSVVFAVCL[Leu138=]ACLLGVALRK

ClinVar aggregate classification (germline): Benign/Likely benign. Review status: criteria provided, multiple submitters, no conflicts (2 of 4 stars). 3 submissions from 3 submitters: Benign (1); Likely benign (2). Last evaluated 2026-04-21.

Conditions:
ACVR1-related disorder. Also called: ACVR1-related condition.

Allele frequency attached by ClinVar (database versions not stated): gnomAD exomes 0.00002; TOPMed 0.00003; gnomAD 0.00007; ExAC 0.00014; 1000 Genomes Project 30x 0.00047; 1000 Genomes Project 0.00060.
gnomAD v4.1: 51 of 1,614,132 alleles (0.0032%); highest among the groups gnomAD compares: East Asian, 0.082%; no homozygotes.

Submissions (3):

PreventionGenetics, part of Exact Sciences
Classification: Likely benign for ACVR1-related condition. Last evaluated: 2026-04-21. Review status: criteria provided, single submitter. Criteria: ACMG Guidelines, 2015. Collection method: clinical testing. Allele origin: germline.
Comment: This variant is classified as likely benign based on ACMG/AMP sequence variant interpretation guidelines (Richards et al. 2015 PMID: 25741868, with internal and published modifications).

Women's Health and Genetics/Laboratory Corporation of America, LabCorp
Classification: Likely benign. Last evaluated: 2026-02-17. Review status: criteria provided, single submitter. Criteria: LabCorp Variant Classification Summary - May 2015. Collection method: clinical testing. Allele origin: germline.

Labcorp Genetics (formerly Invitae), Labcorp
Classification: Benign. Last evaluated: 2026-01-06. Review status: criteria provided, single submitter. Criteria: Invitae Variant Classification Sherloc (09022015). Collection method: clinical testing. Allele origin: germline.